The following is an entry in ClinVar:

ClinVar aggregate classification (germline): Uncertain significance (1 of 4 stars; one submission).

Submission:

Women's Health and Genetics/Laboratory Corporation of America, LabCorp
Classification: Uncertain significance. Last evaluated: 2025-10-07. Review status: criteria provided, single submitter. Criteria: LabCorp Variant Classification Summary - May 2015. Collection method: clinical testing. Allele origin: germline.
Comment: Variant summary: COL12A1 c.2074A>G (p.Lys692Glu) results in a conservative amino acid change in the encoded protein sequence. Algorithms developed to predict the effect of missense changes on protein structure and function are either unavailable or do not agree on the potential impact of this missense change. The variant was absent in 249368 control chromosomes. The available data on variant occurrences in the general population are insufficient to allow any conclusion about variant significance. To our knowledge, no occurrence of c.2074A>G in individuals affected with COL12A1-related conditions and no experimental evidence demonstrating its impact on protein function have been reported. No submitters have cited clinical-significance assessments for this variant to ClinVar. Based on the evidence outlined above, the variant was classified as uncertain significance.

NM_004370.6(COL12A1):c.2074A>G (p.Lys692Glu)

Gene: COL12A1 (collagen type XII alpha 1 chain; minus strand). Cytogenetic location: 6q13.
Variant type: single nucleotide variant.
Coding change: c.2074A>G on transcript NM_004370.6 (MANE Select); coding-DNA position 2074, A replaced by G.
Protein change: p.Lys692Glu; replaces lysine 692 with glutamic acid.
Molecular consequence: missense variant. On other transcripts: intron variant (2).
Genome position (GRCh38, 1-based): chr6:75,181,029, T>C on the plus strand (A>G on the coding strand, the complement: COL12A1 is on the minus strand). VCF-style: chr6-75181029-T-C. GRCh37 (hg19) VCF-style: chr6-75890745-T-C.
Other names: c.2074A>G, p.Lys692Glu (NM_001424113.1, NM_001424114.1, NM_001424115.1); c.73+21691A>G (NM_001424116.1, NM_080645.3); short protein forms K692E.
Identifiers: ClinVar variation 4687501 (VCV004687501.1).
Genomic context (GRCh38, chr6:75,181,029, plus strand): 5'-GAATGCTGAAGCCATCCTCATACTCCGCAGTCACATTGACCAAATACAAGGTCTCTGGCT[T>C]CAGGCTGCTGAGAACAACACTGGTGCTCGATGCTGGCTCCACCACAGTGACCTCATCATC-3'
Protein context (NP_004361.3, residues 682-702): SSTSVVLSSL[Lys692Glu]PETLYLVNVT